The following is an entry in ClinVar:

NM_032043.3(BRIP1):c.2568T>A (p.Tyr856Ter)

Gene: BRIP1 (BRCA1 interacting DNA helicase 1; minus strand). Cytogenetic location: 17q23.2.
Variant type: single nucleotide variant.
Coding change: c.2568T>A on transcript NM_032043.3 (MANE Select); coding-DNA position 2568, T replaced by A.
Protein change: p.Tyr856Ter; replaces tyrosine 856 with a stop codon.
Molecular consequence: nonsense.
Genome position (GRCh38, 1-based): chr17:61,693,437, A>T on the plus strand (T>A on the coding strand, the complement: BRIP1 is on the minus strand). VCF-style: chr17-61693437-A-T. GRCh37 (hg19) VCF-style: chr17-59770798-A-T.
Other names: short protein forms Y856*.
Identifiers: ClinVar variation 1459831 (VCV001459831.7), dbSNP rs370175724, ClinGen allele CA400482331.

ClinVar aggregate classification (germline): Pathogenic (1 of 4 stars; one submission).

Conditions:
Familial cancer of breast. Also called: Hereditary breast cancer; BREAST CANCER, FAMILIAL; hereditary breast carcinoma. Identifiers: Orphanet 227535, MedGen C0346153, MONDO:0016419, OMIM 114480. Disease mechanism: loss of function.
Fanconi anemia complementation group J. Also called: BRIP1-Related Fanconi Anemia. Identifiers: Orphanet 84, MedGen C1836860, MONDO:0012187, OMIM 609054.

Submission:

Labcorp Genetics (formerly Invitae), Labcorp
Classification: Pathogenic for Familial cancer of breast; Fanconi anemia complementation group J. Last evaluated: 2021-10-28. Review status: criteria provided, single submitter. Criteria: Invitae Variant Classification Sherloc (09022015). Collection method: clinical testing. Allele origin: germline.
Comment: For these reasons, this variant has been classified as Pathogenic. This variant has not been reported in the literature in individuals affected with BRIP1-related conditions. This variant is not present in population databases (gnomAD no frequency). This sequence change creates a premature translational stop signal (p.Tyr856*) in the BRIP1 gene. It is expected to result in an absent or disrupted protein product. Loss-of-function variants in BRIP1 are known to be pathogenic (PMID: 16116423, 17033622, 21964575).

Literature cited by the submitters: PubMed 16116423; PubMed 17033622; PubMed 21964575.